The following is an entry in ClinVar:

ClinVar aggregate classification (germline): Conflicting classifications of pathogenicity. Review status: criteria provided, conflicting classifications (1 of 4 stars). 7 submissions from 7 submitters: Uncertain significance (6); Likely benign (1). Last evaluated 2026-06-17.

Conditions:
WRN-related disorder. Also called: WRN-related condition.
Hereditary cancer-predisposing syndrome. Also called: Neoplastic Syndromes, Hereditary; Tumor predisposition; Hereditary Cancer Syndrome; Hereditary neoplastic syndrome. Identifiers: Orphanet 140162, MedGen C0027672, MeSH D009386, MONDO:0015356.
Werner syndrome (WRN). Identifiers: Orphanet 902, MedGen C0043119, MONDO:0010196, OMIM 277700.

Allele frequency attached by ClinVar (database versions not stated): 1000 Genomes Project 0.00020; gnomAD 0.00030 and 0.00031; TOPMed 0.00030; 1000 Genomes Project 30x 0.00031; gnomAD exomes 0.00037 and 0.00045; ExAC 0.00042; ESP Exome Variant Server 0.00069.
gnomAD v4.1: 698 of 1,613,716 alleles (0.043%); highest among the groups gnomAD compares: Non-Finnish European, 0.056%; no homozygotes.

Submissions (7):

Praxis Für Humangenetik, Biosciencia MVZ Labor Saar
Classification: Uncertain significance for Hereditary cancer-predisposing syndrome. Last evaluated: 2026-06-17. Review status: criteria provided, single submitter. Criteria: ACMG Guidelines, 2015. Collection method: clinical testing. Allele origin: germline. Affected: no.
Comment: PM2

Dasa
Classification: Uncertain significance. Last evaluated: 2026-03-15. Review status: criteria provided, single submitter. Criteria: DASA Assertion Criteria. Collection method: clinical testing. Allele origin: germline.
Comment: NM_000553.6(WRN):c.130C>G (p.Leu44Val) is a missense variant that results in the substitution of leucine with valine. The variant is present at low frequency in population datasets. Based on the available data, this variant is classified as variant of uncertain significance.

PreventionGenetics, part of Exact Sciences
Classification: Uncertain significance for WRN-related condition. Last evaluated: 2026-03-06. Review status: criteria provided, single submitter. Criteria: ACMG Guidelines, 2015. Collection method: clinical testing. Allele origin: germline.
Comment: The WRN c.130C>G variant is predicted to result in the amino acid substitution p.Leu44Val. This variant was reported in head and neck cancer cohort and (Cury et al. 2021. PubMed ID: 34598035) in dyslipidemia cohort (Table S4, Dron et al. 2020. PubMed ID: 32041611). This variant is reported in 0.073% of alleles in individuals of European (Non-Finnish) descent in gnomAD and has conflicting interpretations regarding its pathogenicity in ClinVar, ranging from likely benign to uncertain. Although we suspect that this variant may be benign, at this time, the clinical significance of this variant is uncertain due to the absence of conclusive functional and genetic evidence.

Labcorp Genetics (formerly Invitae), Labcorp
Classification: Likely benign for Werner syndrome. Last evaluated: 2026-01-20. Review status: criteria provided, single submitter. Criteria: Invitae Variant Classification Sherloc (09022015). Collection method: clinical testing. Allele origin: germline.

GeneDx
Classification: Uncertain significance. Last evaluated: 2023-06-27. Review status: criteria provided, single submitter. Criteria: GeneDx Variant Classification Process June 2021. Collection method: clinical testing. Allele origin: germline. Affected: yes.
Comment: In silico analysis supports that this missense variant does not alter protein structure/function; Observed in an individual with head and neck cancer (Cury et al., 2021); This variant is associated with the following publications: (PMID: 30404791, 30019023, 29641532, 32041611, 34598035)

Baylor Genetics
Classification: Uncertain significance for Werner syndrome. Last evaluated: 2022-04-27. Review status: criteria provided, single submitter. Criteria: ACMG Guidelines, 2015. Collection method: clinical testing. Allele origin: unknown.

Fulgent Genetics
Classification: Uncertain significance for Werner syndrome. Last evaluated: 2018-10-31. Review status: criteria provided, single submitter. Criteria: ACMG Guidelines, 2015. Collection method: clinical testing. Allele origin: unknown.

NM_000553.6(WRN):c.130C>G (p.Leu44Val)

Gene: WRN (WRN RecQ like helicase; plus strand). Cytogenetic location: 8p12.
Variant type: single nucleotide variant.
Coding change: c.130C>G on transcript NM_000553.6 (MANE Select); coding-DNA position 130, C replaced by G.
Protein change: p.Leu44Val; replaces leucine 44 with valine.
Molecular consequence: missense variant.
Genome position (GRCh38, 1-based): chr8:31,059,186, C>G. VCF-style: chr8-31059186-C-G. GRCh37 (hg19) VCF-style: chr8-30916702-C-G.
Other names: short protein forms L44V.
Identifiers: ClinVar variation 404007 (VCV000404007.20), dbSNP rs139775895, ClinGen allele CA4703988.
Genomic context (GRCh38, chr8:31,059,186, plus strand): 5'-CCTGTTTTGAAATTTACTAAACTCAAGGCATGTGTTCGGAAGAGTGTTTTTGAAGATGAC[C>G]TCCCCTTCTTAGAATTCACTGGATCCATTGTGTATAGTTACGATGCTAGTGATTGCTCTT-3'
Protein context (NP_000544.2, residues 34-54): CVRKSVFEDD[Leu44Val]PFLEFTGSIV